The following is an entry in ClinVar:

ClinVar aggregate classification (germline): Uncertain significance. Review status: criteria provided, multiple submitters, no conflicts (2 of 4 stars). 3 submissions from 3 submitters: Uncertain significance (3). Last evaluated 2024-12-16.

Conditions:
Ellis-van Creveld syndrome (EVC). Also called: EVC-Related Ellis-van Creveld Syndrome; EVC2-Related Ellis-van Creveld Syndrome; MESOECTODERMAL DYSPLASIA; Chondroectodermal dysplasia. Identifiers: Orphanet 289, MedGen C0013903, MONDO:0009162, OMIM 225500.
Curry-Hall syndrome (WAD). Also called: WEYERS ACRODENTAL DYSOSTOSIS. Identifiers: Orphanet 952, MedGen C0457013, MONDO:0008673, OMIM 193530.
Inborn genetic diseases. Identifiers: MedGen C0950123, MeSH D030342.

Allele frequency attached by ClinVar (database versions not stated): ExAC 0.00001; gnomAD exomes 0.00001; TOPMed 0.00001.
gnomAD v4.1: 19 of 1,614,096 alleles (0.0012%); highest among the groups gnomAD compares: East Asian, 0.0045%; no homozygotes.

Submissions (3):

Labcorp Genetics (formerly Invitae), Labcorp
Classification: Uncertain significance for Curry-Hall syndrome; Ellis-van Creveld syndrome. Last evaluated: 2024-12-16. Review status: criteria provided, single submitter. Criteria: Invitae Variant Classification Sherloc (09022015). Collection method: clinical testing. Allele origin: germline.
Comment: This sequence change replaces glutamic acid, which is acidic and polar, with lysine, which is basic and polar, at codon 1060 of the EVC2 protein (p.Glu1060Lys). This variant is present in population databases (rs779884599, gnomAD 0.005%). This variant has not been reported in the literature in individuals affected with EVC2-related conditions. ClinVar contains an entry for this variant (Variation ID: 903217). An algorithm developed to predict the effect of missense changes on protein structure and function (PolyPhen-2) suggests that this variant is likely to be tolerated. In summary, the available evidence is currently insufficient to determine the role of this variant in disease. Therefore, it has been classified as a Variant of Uncertain Significance.

Ambry Genetics
Classification: Uncertain significance for Inborn genetic diseases. Last evaluated: 2023-12-28. Review status: criteria provided, single submitter. Criteria: Ambry Variant Classification Scheme 2023. Collection method: clinical testing. Allele origin: germline.

Illumina Laboratory Services, Illumina
Classification: Uncertain significance for Ellis-van Creveld syndrome. Last evaluated: 2018-01-12. Review status: criteria provided, single submitter. Criteria: ICSL Variant Classification Criteria 13 December 2019. Collection method: clinical testing. Allele origin: germline.

NM_147127.5(EVC2):c.3178G>A (p.Glu1060Lys)

Gene: EVC2 (EvC ciliary complex subunit 2; minus strand). Cytogenetic location: 4p16.2.
Variant type: single nucleotide variant.
Coding change: c.3178G>A on transcript NM_147127.5 (MANE Select); coding-DNA position 3178, G replaced by A.
Protein change: p.Glu1060Lys; replaces glutamic acid 1060 with lysine.
Molecular consequence: missense variant.
Genome position (GRCh38, 1-based): chr4:5,576,334, C>T on the plus strand (G>A on the coding strand, the complement: EVC2 is on the minus strand). VCF-style: chr4-5576334-C-T. GRCh37 (hg19) VCF-style: chr4-5578061-C-T.
Other names: c.2938G>A, p.Glu980Lys (NM_001166136.2); short protein forms E1060K, E980K.
Identifiers: ClinVar variation 903217 (VCV000903217.8), dbSNP rs779884599, ClinGen allele CA2834422.